The following is an entry in ClinVar:

NM_000051.4(ATM):c.7578A>G (p.Arg2526=)

Genes: ATM (ATM serine/threonine kinase; plus strand), C11orf65 (chromosome 11 open reading frame 65; minus strand). Cytogenetic location: 11q22.3.
Variant type: single nucleotide variant.
Coding change: c.7578A>G on transcript NM_000051.4 (MANE Select); coding-DNA position 7578, A replaced by G.
Protein change: p.Arg2526=; no amino-acid change (arginine 2526 retained).
Molecular consequence: synonymous variant. On other transcripts: non-coding transcript variant (1), intron variant (2).
Genome position (GRCh38, 1-based): chr11:108,331,506, A>G. VCF-style: chr11-108331506-A-G. GRCh37 (hg19) VCF-style: chr11-108202233-A-G.
Other names: c.7578A>G, p.Arg2526= (NM_001351834.2); c.641-22435T>C (NM_001330368.2); c.*38+3714T>C (NM_001351110.2).
Identifiers: ClinVar variation 3253905 (VCV003253905.1), dbSNP rs2547274761.

ClinVar aggregate classification (germline): Benign (1 of 4 stars; one submission).

Conditions:
Familial cancer of breast. Also called: hereditary breast carcinoma; BREAST CANCER, FAMILIAL; Hereditary breast cancer. Identifiers: Orphanet 227535, MedGen C0346153, MONDO:0016419, OMIM 114480. Disease mechanism: loss of function.

Submission:

Myriad Genetics, Inc.
Classification: Benign for Familial cancer of breast. Last evaluated: 2024-06-14. Review status: criteria provided, single submitter. Criteria: Myriad Autosomal Dominant, Autosomal Recessive and X-Linked Classification Criteria (2023). Collection method: clinical testing. Allele origin: unknown.
Comment: This variant is considered benign. This variant is a silent/synonymous amino acid change and it is not expected to impact splicing.